The following is an entry in ClinVar:

NM_001197104.2(KMT2A):c.389G>A (p.Arg130Gln)

Gene: KMT2A (lysine methyltransferase 2A; plus strand). Cytogenetic location: 11q23.3.
Variant type: single nucleotide variant.
Coding change: c.389G>A on transcript NM_001197104.2 (MANE Select); coding-DNA position 389, G replaced by A.
Protein change: p.Arg130Gln; replaces arginine 130 with glutamine.
Molecular consequence: missense variant.
Genome position (GRCh38, 1-based): chr11:118,436,901, G>A. VCF-style: chr11-118436901-G-A. GRCh37 (hg19) VCF-style: chr11-118307616-G-A.
Other names: c.389G>A, p.Arg130Gln (NM_001412597.1, NM_005933.4); short protein forms R130Q.
Identifiers: ClinVar variation 4882640 (VCV004882640.2).

ClinVar aggregate classification (germline): Uncertain significance (1 of 4 stars; one submission).

Submission:

Dasa
Classification: Uncertain significance. Last evaluated: 2025-07-08. Review status: criteria provided, single submitter. Criteria: DASA Assertion Criteria. Collection method: clinical testing. Allele origin: germline.
Comment: NM_001197104.2(KMT2A):c.389G>A (p.Arg130Gln) is a missense variant that results in the substitution of arginine with glutamine. This variant is rare in population databases. The currently available literature and clinical evidence are not sufficient to establish a definitive association between this variant and the reported condition. Therefore, this variant is classified as a variant of uncertain significance.